The following is an entry in ClinVar:

NM_005956.4(MTHFD1):c.2299C>G (p.Leu767Val)

Genes: MTHFD1 (methylenetetrahydrofolate dehydrogenase, cyclohydrolase and formyltetrahydrofolate synthetase 1; plus strand), ZBTB25 (zinc finger and BTB domain containing 25; minus strand). Cytogenetic location: 14q23.3.
Variant type: single nucleotide variant.
Coding change: c.2299C>G on transcript NM_005956.4 (MANE Select); coding-DNA position 2299, C replaced by G.
Protein change: p.Leu767Val; replaces leucine 767 with valine.
Molecular consequence: missense variant. On other transcripts: 3 prime UTR variant (1).
Genome position (GRCh38, 1-based): chr14:64,449,464, C>G. VCF-style: chr14-64449464-C-G. GRCh37 (hg19) VCF-style: chr14-64916182-C-G.
Other names: c.2299C>G, p.Leu767Val (NM_001364837.1); c.*87G>C (NM_001304508.1); short protein forms L767V.
Identifiers: ClinVar variation 2086367 (VCV002086367.3), dbSNP rs2550506858, ClinGen allele CA390002422.

ClinVar aggregate classification (germline): Uncertain significance (1 of 4 stars; one submission).

Allele frequency attached by ClinVar (database versions not stated): gnomAD exomes 0.00001.
gnomAD v4.1: 20 of 1,613,654 alleles (0.0012%); highest among the groups gnomAD compares: Non-Finnish European, 0.0017%; no homozygotes.

Submission:

Labcorp Genetics (formerly Invitae), Labcorp
Classification: Uncertain significance. Last evaluated: 2025-01-20. Review status: criteria provided, single submitter. Criteria: Invitae Variant Classification Sherloc (09022015). Collection method: clinical testing. Allele origin: germline.
Comment: This sequence change replaces leucine, which is neutral and non-polar, with valine, which is neutral and non-polar, at codon 767 of the MTHFD1 protein (p.Leu767Val). This variant is not present in population databases (gnomAD no frequency). This variant has not been reported in the literature in individuals affected with MTHFD1-related conditions. ClinVar contains an entry for this variant (Variation ID: 2086367). Invitae Evidence Modeling of protein sequence and biophysical properties (such as structural, functional, and spatial information, amino acid conservation, physicochemical variation, residue mobility, and thermodynamic stability) indicates that this missense variant is not expected to disrupt MTHFD1 protein function with a negative predictive value of 80%. In summary, the available evidence is currently insufficient to determine the role of this variant in disease. Therefore, it has been classified as a Variant of Uncertain Significance.